The following is an entry in ClinVar:

ClinVar aggregate classification (germline): Pathogenic. Review status: criteria provided, multiple submitters, no conflicts (2 of 4 stars). 2 submissions from 2 submitters: Pathogenic (2). Last evaluated 2025-04-25.

Conditions:
Developmental and epileptic encephalopathy, 11 (DEE11). Also called: Early infantile epileptic encephalopathy 11. Identifiers: Orphanet 1934, MedGen C3150987, MONDO:0013388, OMIM 613721.

Submissions (2):

Foundation for Research in Genetics and Endocrinology, FRIGE's Institute of Human Genetics
Classification: Pathogenic for Developmental and epileptic encephalopathy, 11. Last evaluated: 2025-04-25. Review status: criteria provided, single submitter. Criteria: ACMG Guidelines, 2015. Collection method: clinical testing. Allele origin: germline. Inheritance: Autosomal dominant inheritance. Affected: yes. Observed: 1 heterozygote.
Comment: The heterozygous missense variant in exon 3 of the SCN2A gene that results in the amino acid substitution of Glutamine for Arginine at codon 83 was detected. The observed variant has not been reported in population frequency databases such as gnomAD and reported in ExAC. This variant is predicted to be deleterious by in silico prediction tools such as SIFT, MutationTaster, FATHMM and DANN. In summary, the variant meets our criteria to be classified as pathogenic.

GeneDx
Classification: Pathogenic. Last evaluated: 2025-04-08. Review status: criteria provided, single submitter. Criteria: GeneDx Variant Classification Process June 2021. Collection method: clinical testing. Allele origin: germline. Affected: yes.
Comment: Reported previously as a paternally inherited variant in a patient from a cohort of individuals with neurodevelopmental disorder; clinical information on the proband and father unavailable (PMID: 33004838); In silico analysis supports that this missense variant has a deleterious effect on protein structure/function; This substitution is predicted to be within the N-terminal cytoplasmic domain; Not observed at significant frequency in large population cohorts (gnomAD); This variant is associated with the following publications: (PMID: 33057194, 35982159, 39122707, 33004838, 31038196)

NM_001040142.2(SCN2A):c.305G>A (p.Arg102Gln)

Gene: SCN2A (sodium voltage-gated channel alpha subunit 2; plus strand). Cytogenetic location: 2q24.3.
Variant type: single nucleotide variant.
Coding change: c.305G>A on transcript NM_001040142.2 (MANE Select); coding-DNA position 305, G replaced by A.
Protein change: p.Arg102Gln; replaces arginine 102 with glutamine.
Molecular consequence: missense variant.
Genome position (GRCh38, 1-based): chr2:165,297,054, G>A. VCF-style: chr2-165297054-G-A. GRCh37 (hg19) VCF-style: chr2-166153564-G-A.
Other names: p.Arg102Gln; c.305G>A, p.Arg102Gln (NM_001040143.2, NM_001371246.1, NM_001371247.1 and 1 more transcripts); short protein forms R102Q.
Identifiers: ClinVar variation 422127 (VCV000422127.4), dbSNP rs1064795576, ClinGen allele CA16617256.